The following is an entry in ClinVar:

ClinVar aggregate classification (germline): Uncertain significance. Review status: criteria provided, multiple submitters, no conflicts (2 of 4 stars). 2 submissions from 2 submitters: Uncertain significance (2). Last evaluated 2024-10-03.

Conditions:
Congenital microvillous atrophy (DIAR2). Also called: DAVIDSON DISEASE; MICROVILLUS ATROPHY, CONGENITAL; Microvillus inclusion disease; Diarrhea 2 with microvillus atrophy, with or without cholestasis; CONGENITAL FAMILIAL PROTRACTED DIARRHEA WITH ENTEROCYTE BRUSH-BORDER ABNORMALITIES. Identifiers: Orphanet 2290, MedGen C0341306, MONDO:0009635, OMIM 251850.

Allele frequency attached by ClinVar (database versions not stated): ExAC 0.00001; gnomAD exomes 0.00001; TOPMed 0.00002; gnomAD 0.00003 and 0.00004.
gnomAD v4.1: 26 of 1,613,648 alleles (0.0016%); highest among the groups gnomAD compares: East Asian, 0.0045%; no homozygotes.

Submissions (2):

Labcorp Genetics (formerly Invitae), Labcorp
Classification: Uncertain significance. Last evaluated: 2024-10-03. Review status: criteria provided, single submitter. Criteria: Invitae Variant Classification Sherloc (09022015). Collection method: clinical testing. Allele origin: germline.
Comment: This sequence change replaces valine, which is neutral and non-polar, with methionine, which is neutral and non-polar, at codon 1612 of the MYO5B protein (p.Val1612Met). This variant is present in population databases (rs746297387, gnomAD 0.01%). This variant has not been reported in the literature in individuals affected with MYO5B-related conditions. ClinVar contains an entry for this variant (Variation ID: 327005). Invitae Evidence Modeling of protein sequence and biophysical properties (such as structural, functional, and spatial information, amino acid conservation, physicochemical variation, residue mobility, and thermodynamic stability) indicates that this missense variant is not expected to disrupt MYO5B protein function with a negative predictive value of 80%. In summary, the available evidence is currently insufficient to determine the role of this variant in disease. Therefore, it has been classified as a Variant of Uncertain Significance.

Illumina Laboratory Services, Illumina
Classification: Uncertain significance for Congenital microvillous atrophy. Last evaluated: 2018-01-12. Review status: criteria provided, single submitter. Criteria: ICSL Variant Classification Criteria 13 December 2019. Collection method: clinical testing. Allele origin: germline.

NM_001080467.3(MYO5B):c.4834G>A (p.Val1612Met)

Genes: SNHG22 (small nucleolar RNA host gene 22; plus strand), MYO5B (myosin VB; minus strand). Cytogenetic location: 18q21.1.
Variant type: single nucleotide variant.
Coding change: c.4834G>A on transcript NM_001080467.3 (MANE Select); coding-DNA position 4834, G replaced by A.
Protein change: p.Val1612Met; replaces valine 1612 with methionine.
Molecular consequence: missense variant.
Genome position (GRCh38, 1-based): chr18:49,839,162, C>T on the plus strand (G>A on the coding strand, the complement: MYO5B is on the minus strand). VCF-style: chr18-49839162-C-T. GRCh37 (hg19) VCF-style: chr18-47365532-C-T.
Other names: short protein forms V1612M.
Identifiers: ClinVar variation 327005 (VCV000327005.8), dbSNP rs746297387, ClinGen allele CA8960216.